The following is an entry in ClinVar:

NM_001042492.3(NF1):c.5316C>T (p.Val1772=)

Gene: NF1 (neurofibromin 1; plus strand). Cytogenetic location: 17q11.2.
Variant type: single nucleotide variant.
Coding change: c.5316C>T on transcript NM_001042492.3 (MANE Select); coding-DNA position 5316, C replaced by T.
Protein change: p.Val1772=; no amino-acid change (valine 1772 retained).
Molecular consequence: synonymous variant.
Genome position (GRCh38, 1-based): chr17:31,327,546, C>T. VCF-style: chr17-31327546-C-T. GRCh37 (hg19) VCF-style: chr17-29654564-C-T.
Other names: c.5253C>T, p.Val1751= (NM_000267.4).
Identifiers: ClinVar variation 3237825 (VCV003237825.2), dbSNP rs2151540936.

ClinVar aggregate classification (germline): Benign/Likely benign. Review status: criteria provided, multiple submitters, no conflicts (2 of 4 stars). 2 submissions from 2 submitters: Benign (1); Likely benign (1). Last evaluated 2026-09-23.

Conditions:
Neurofibromatosis, type 1 (NF1). Also called: VON RECKLINGHAUSEN DISEASE; NEUROFIBROMATOSIS, TYPE I, SOMATIC; Peripheral type neurofibromatosis; Neurofibromatosis, type I. Identifiers: Orphanet 636, MedGen C0027831, MONDO:0018975, OMIM 162200. Disease mechanism: loss of function.
Hereditary cancer-predisposing syndrome. Also called: Tumor predisposition; Hereditary neoplastic syndrome; Hereditary Cancer Syndrome; Neoplastic Syndromes, Hereditary. Identifiers: Orphanet 140162, MedGen C0027672, MeSH D009386, MONDO:0015356.
Cardiovascular phenotype. Identifiers: MedGen CN230736.

Submissions (2):

Myriad Genetics, Inc.
Classification: Benign for Neurofibromatosis, type 1. Last evaluated: 2026-09-23. Review status: criteria provided, single submitter. Criteria: Myriad Autosomal Dominant, Autosomal Recessive and X-Linked Classification Criteria (2023). Collection method: clinical testing. Allele origin: unknown.
Comment: This variant is considered benign. This variant is a silent/synonymous amino acid change and it is not expected to impact splicing.

Ambry Genetics
Classification: Likely benign for Cardiovascular phenotype; Hereditary cancer-predisposing syndrome. Last evaluated: 2023-05-25. Review status: criteria provided, single submitter. Criteria: Ambry Variant Classification Scheme 2023. Collection method: clinical testing. Allele origin: germline.